The following is an entry in ClinVar:

ClinVar aggregate classification (germline): Pathogenic (1 of 4 stars; one submission).

Conditions:
Perrault syndrome. Also called: Gonadal dysgenesis with auditory dysfunction, autosomal recessive inheritance. Identifiers: Orphanet 2855, MedGen C0685838, MONDO:0017312.
Bifunctional peroxisomal enzyme deficiency (DBIF). Also called: DBP DEFICIENCY; PBFE DEFICIENCY; D-bifunctional protein deficiency. Identifiers: Orphanet 300, MedGen C0342870, MONDO:0009855, OMIM 261515. Disease mechanism: loss of function.

Submission:

Labcorp Genetics (formerly Invitae), Labcorp
Classification: Pathogenic for Perrault syndrome; Bifunctional peroxisomal enzyme deficiency. Last evaluated: 2024-03-21. Review status: criteria provided, single submitter. Criteria: Invitae Variant Classification Sherloc (09022015). Collection method: clinical testing. Allele origin: germline.
Comment: This sequence change creates a premature translational stop signal (p.Leu411*) in the HSD17B4 gene. It is expected to result in an absent or disrupted protein product. Loss-of-function variants in HSD17B4 are known to be pathogenic (PMID: 11810648, 16385454, 20673864). This variant is not present in population databases (gnomAD no frequency). This variant has not been reported in the literature in individuals affected with HSD17B4-related conditions. For these reasons, this variant has been classified as Pathogenic.

Literature cited by the submitters: PubMed 11810648; PubMed 16385454; PubMed 20673864.

NM_000414.4(HSD17B4):c.1232T>A (p.Leu411Ter)

Gene: HSD17B4 (hydroxysteroid 17-beta dehydrogenase 4; plus strand). Cytogenetic location: 5q23.1.
Variant type: single nucleotide variant.
Coding change: c.1232T>A on transcript NM_000414.4 (MANE Select); coding-DNA position 1232, T replaced by A.
Protein change: p.Leu411Ter; replaces leucine 411 with a stop codon.
Molecular consequence: nonsense. On other transcripts: non-coding transcript variant (2).
Genome position (GRCh38, 1-based): chr5:119,502,063, T>A. VCF-style: chr5-119502063-T-A. GRCh37 (hg19) VCF-style: chr5-118837758-T-A.
Other names: c.1307T>A, p.Leu436Ter (NM_001199291.3); c.1178T>A, p.Leu393Ter (NM_001199292.2); c.1160T>A, p.Leu387Ter (NM_001292027.2); c.812T>A, p.Leu271Ter (NM_001292028.2); c.1223T>A, p.Leu408Ter (NM_001374497.1); c.1232T>A, p.Leu411Ter (NM_001374498.1); c.905T>A, p.Leu302Ter (NM_001374499.1); c.791T>A, p.Leu264Ter (NM_001374500.1); and 1 more; short protein forms L264*, L271*, L274*, L302*, L387*, L393*, L408*, L411*.
Identifiers: ClinVar variation 3755458 (VCV003755458.2).